The following is an entry in ClinVar:

NM_198578.4(LRRK2):c.5852C>T (p.Ser1951Phe)

Gene: LRRK2 (leucine rich repeat kinase 2; plus strand). Cytogenetic location: 12q12.
Variant type: single nucleotide variant.
Coding change: c.5852C>T on transcript NM_198578.4 (MANE Select); coding-DNA position 5852, C replaced by T.
Protein change: p.Ser1951Phe; replaces serine 1951 with phenylalanine.
Molecular consequence: missense variant.
Genome position (GRCh38, 1-based): chr12:40,335,061, C>T. VCF-style: chr12-40335061-C-T. GRCh37 (hg19) VCF-style: chr12-40728863-C-T.
Other names: short protein forms S1951F.
Identifiers: ClinVar variation 1750081 (VCV001750081.3), dbSNP rs2499930525, ClinGen allele CA384402158.

ClinVar aggregate classification (germline): Uncertain significance (1 of 4 stars; one submission).

Conditions:
Inborn genetic diseases. Identifiers: MedGen C0950123, MeSH D030342.

Allele frequency attached by ClinVar (database versions not stated): gnomAD exomes below 0.00001.
gnomAD v4.1: 1 of 1,614,114 alleles (0.000062%); highest among the groups gnomAD compares: South Asian, 0.0011%; no homozygotes.

Submission:

Ambry Genetics
Classification: Uncertain significance for Inborn genetic diseases. Last evaluated: 2024-10-25. Review status: criteria provided, single submitter. Criteria: Ambry Variant Classification Scheme 2023. Collection method: clinical testing. Allele origin: germline.
Comment: The p.S1951F variant (also known as c.5852C>T), located in coding exon 40 of the LRRK2 gene, results from a C to T substitution at nucleotide position 5852. The serine at codon 1951 is replaced by phenylalanine, an amino acid with highly dissimilar properties. This amino acid position is conserved. In addition, the in silico prediction for this alteration is inconclusive. Since supporting evidence is limited at this time, the clinical significance of this alteration remains unclear.